The following is an entry in ClinVar:

ClinVar aggregate classification (germline): Uncertain significance (1 of 4 stars; one submission).

gnomAD v4.1: 1 of 1,613,794 alleles (0.000062%); highest among the groups gnomAD compares: Middle Eastern, 0.017%; no homozygotes.

Submission:

Labcorp Genetics (formerly Invitae), Labcorp
Classification: Uncertain significance. Last evaluated: 2022-08-31. Review status: criteria provided, single submitter. Criteria: Invitae Variant Classification Sherloc (09022015). Collection method: clinical testing. Allele origin: germline.
Comment: ClinVar contains an entry for this variant (Variation ID: 1486660). Algorithms developed to predict the effect of missense changes on protein structure and function are either unavailable or do not agree on the potential impact of this missense change (SIFT: "Tolerated"; PolyPhen-2: "Possibly Damaging"; Align-GVGD: "Class C0"). In summary, the available evidence is currently insufficient to determine the role of this variant in disease. Therefore, it has been classified as a Variant of Uncertain Significance. This variant has not been reported in the literature in individuals affected with IL6R-related conditions. This sequence change replaces aspartic acid, which is acidic and polar, with tyrosine, which is neutral and polar, at codon 160 of the IL6R protein (p.Asp160Tyr). This variant is not present in population databases (gnomAD no frequency).

NM_000565.4(IL6R):c.478G>T (p.Asp160Tyr)

Gene: IL6R (interleukin 6 receptor; plus strand). Cytogenetic location: 1q21.3.
Variant type: single nucleotide variant.
Coding change: c.478G>T on transcript NM_000565.4 (MANE Select); coding-DNA position 478, G replaced by T.
Protein change: p.Asp160Tyr; replaces aspartic acid 160 with tyrosine.
Molecular consequence: missense variant. On other transcripts: intron variant (1).
Genome position (GRCh38, 1-based): chr1:154,434,538, G>T. VCF-style: chr1-154434538-G-T. GRCh37 (hg19) VCF-style: chr1-154407014-G-T.
Other names: c.478G>T, p.Asp160Tyr (NM_001206866.2, NM_001382769.1, NM_001382770.1 and 4 more transcripts); c.127-9G>T (NM_001382774.1); short protein forms D160Y.
Identifiers: ClinVar variation 1486660 (VCV001486660.8), dbSNP rs1368570026, ClinGen allele CA342610497.